The following is an entry in ClinVar:

NM_001253697.2(ERBIN):c.3180_3193del (p.Pro1061fs)

Gene: ERBIN (erbb2 interacting protein; plus strand). Cytogenetic location: 5q12.3.
Variant type: Deletion.
Coding change: c.3180_3193del on transcript NM_001253697.2 (MANE Select); coding-DNA positions 3180 to 3193, 14 bases deleted (ACCAAACGACCGAC).
Protein change: p.Pro1061fs; shifts the reading frame from proline 1061.
Molecular consequence: frameshift variant.
Genome position (GRCh38, 1-based): chr5:66,054,498-66,054,511, ACCAAACGACCGAC deleted; deleting any 14 consecutive bases within chr5:66,054,497-66,054,511 gives the same sequence; the c. name uses the placement nearest the transcript's 3' end. VCF-style (leftmost placement, unchanged base first): chr5-66054496-TCACCAAACGACCGA-T. GRCh37 (hg19) VCF-style: chr5-65350324-TCACCAAACGACCGA-T.
Other names: c.3180_3193del, p.Pro1061fs (NM_001006600.3, NM_001253698.2, NM_001253699.2 and 1 more transcripts); c.3168_3181del, p.Pro1057fs (NM_001253701.2); short protein forms P1057fs, P1061fs.
Identifiers: ClinVar variation 2120390 (VCV002120390.4), dbSNP rs2546815015, ClinGen allele CA2580073432.

ClinVar aggregate classification (germline): Uncertain significance (1 of 4 stars; one submission).

Submission:

Labcorp Genetics (formerly Invitae), Labcorp
Classification: Uncertain significance. Last evaluated: 2022-04-01. Review status: criteria provided, single submitter. Criteria: Invitae Variant Classification Sherloc (09022015). Collection method: clinical testing. Allele origin: germline.
Comment: This sequence change creates a premature translational stop signal (p.Pro1061Tyrfs*14) in the ERBIN gene. It is expected to result in an absent or disrupted protein product. However, the current clinical and genetic evidence is not sufficient to establish whether loss-of-function variants in ERBIN cause disease. This variant is not present in population databases (gnomAD no frequency). In summary, the available evidence is currently insufficient to determine the role of this variant in disease. Therefore, it has been classified as a Variant of Uncertain Significance. This variant has not been reported in the literature in individuals affected with ERBIN-related conditions.